The following is an entry in ClinVar:

ClinVar aggregate classification (germline): Pathogenic. Review status: no assertion criteria provided (0 of 4 stars). 2 submissions from 2 submitters: Pathogenic (2). Last evaluated 2019-05-13.

Conditions:
Familial cancer of breast. Also called: BREAST CANCER, FAMILIAL; Hereditary breast cancer; hereditary breast carcinoma. Identifiers: Orphanet 227535, MedGen C0346153, MONDO:0016419, OMIM 114480. Disease mechanism: loss of function.

Submissions (2):

Leiden Open Variation Database
Classification: Pathogenic for Familial cancer of breast. Last evaluated: 2019-05-13. Review status: no assertion criteria provided. Collection method: curation. Allele origin: germline. Affected: yes.
Comment: Curators: Marc Tischkowitz, Arleen D. Auerbach. Submitter to LOVD: Marc Tischkowitz.

SNPedia
Classification: Pathogenic. Review status: no assertion criteria provided. Collection method: not provided. Allele origin: germline.
ClinVar note: Converted during submission from pathogenic to Pathogenic.

Literature cited by the submitters: PubMed 25099575 (cited by Leiden Open Variation Database).

NM_024675.4(PALB2):c.1431del (p.Ser478fs)

Gene: PALB2 (partner and localizer of BRCA2; minus strand). Cytogenetic location: 16p12.2.
Variant type: Deletion.
Coding change: c.1431del on transcript NM_024675.4 (MANE Select); coding-DNA position 1431, one base deleted (C; older notation c.1431delC).
Protein change: p.Ser478fs; shifts the reading frame from serine 478.
Molecular consequence: frameshift variant.
Genome position (GRCh38, 1-based): chr16:23,635,115, G deleted on the plus strand (C on the coding strand, the reverse complement: PALB2 is on the minus strand); the first of 2 consecutive G bases (chr16:23,635,115-23,635,116); deleting either gives the same sequence. VCF-style (leftmost placement, unchanged base first): chr16-23635114-AG-A. GRCh37 (hg19) VCF-style: chr16-23646435-AG-A.
Other names: short protein forms S478fs.
Identifiers: ClinVar variation 143962 (VCV000143962.4), dbSNP rs587776412, ClinGen allele CA294550.
Genomic context (GRCh38, chr16:23,635,114, plus strand): 5'-CATTATCTTCAGTGGGCCCAGCGGGAGAGCTGACTTTAGTTAATGAGAGAAGTTTCTGAG[AG>A]GTTCTTGAACTTGGTTGTCCTGTGCATGTGCCAGACATCCTAATTTCACTTTGGTCAGTT-3'